The following is an entry in ClinVar:

NM_022489.4(INF2):c.2053-3C>T

Gene: INF2 (inverted formin 2; plus strand). Cytogenetic location: 14q32.33.
Variant type: single nucleotide variant.
Coding change: c.2053-3C>T on transcript NM_022489.4 (MANE Select); 3 bases into the intron before coding-DNA position 2053, C replaced by T.
Molecular consequence: intron variant.
Genome position (GRCh38, 1-based): chr14:104,709,617, C>T. VCF-style: chr14-104709617-C-T. GRCh37 (hg19) VCF-style: chr14-105175954-C-T.
Other names: c.2053-3C>T (NM_001031714.4).
Identifiers: ClinVar variation 1011202 (VCV001011202.22), dbSNP rs754983807, ClinGen allele CA7372813.

ClinVar aggregate classification (germline): Uncertain significance. Review status: criteria provided, multiple submitters, no conflicts (2 of 4 stars). 2 submissions from 2 submitters: Uncertain significance (2). Last evaluated 2026-01-27.

Conditions:
Charcot-Marie-Tooth disease dominant intermediate E. Also called: CHARCOT-MARIE-TOOTH NEUROPATHY WITH FOCAL SEGMENTAL GLOMERULONEPHRITIS. Identifiers: Orphanet 93114, MedGen C4302667, MONDO:0013758, OMIM 614455.
Focal segmental glomerulosclerosis 5 (FSGS5). Identifiers: Orphanet 656, MedGen C2750475, MONDO:0013191, OMIM 613237.

Allele frequency attached by ClinVar (database versions not stated): gnomAD 0.00002; ExAC 0.00003; TOPMed 0.00003; gnomAD exomes 0.00004 and 0.00001.
gnomAD v4.1: 69 of 1,611,968 alleles (0.0043%); highest among the groups gnomAD compares: Non-Finnish European, 0.0051%; no homozygotes.

Submissions (2):

Labcorp Genetics (formerly Invitae), Labcorp
Classification: Uncertain significance for Charcot-Marie-Tooth disease dominant intermediate E; Focal segmental glomerulosclerosis 5. Last evaluated: 2026-01-27. Review status: criteria provided, single submitter. Criteria: Invitae Variant Classification Sherloc (09022015). Collection method: clinical testing. Allele origin: germline.
Comment: This sequence change falls in intron 11 of the INF2 gene. It does not directly change the encoded amino acid sequence of the INF2 protein. It affects a nucleotide within the consensus splice site. This variant is present in population databases (rs754983807, gnomAD 0.004%). This variant has not been reported in the literature in individuals affected with INF2-related conditions. ClinVar contains an entry for this variant (Variation ID: 1011202). Variants that disrupt the consensus splice site are a relatively common cause of aberrant splicing (PMID: 17576681, 9536098). Algorithms developed to predict the effect of sequence changes on RNA splicing suggest that this variant is not likely to affect RNA splicing. In summary, the available evidence is currently insufficient to determine the role of this variant in disease. Therefore, it has been classified as a Variant of Uncertain Significance.

CeGaT Center for Human Genetics Tuebingen
Classification: Uncertain significance. Last evaluated: 2024-08-01. Review status: criteria provided, single submitter. Criteria: CeGaT Center For Human Genetics Tuebingen Variant Classification Criteria Version 2. Collection method: clinical testing. Allele origin: germline. Affected: yes. Observed: 1 variant allele.
Comment: INF2: PM2:Supporting, BP4

Literature cited by the submitters: PubMed 17576681 (cited by Labcorp Genetics (formerly Invitae), Labcorp); PubMed 9536098 (cited by Labcorp Genetics (formerly Invitae), Labcorp).